The following is an entry in ClinVar:

NM_002890.3(RASA1):c.1064A>G (p.Lys355Arg)

Genes: CCNH (cyclin H; minus strand), RASA1 (RAS p21 protein activator 1; plus strand). Cytogenetic location: 5q14.3.
Variant type: single nucleotide variant.
Coding change: c.1064A>G on transcript NM_002890.3 (MANE Select); coding-DNA position 1064, A replaced by G.
Protein change: p.Lys355Arg; replaces lysine 355 with arginine.
Molecular consequence: missense variant. On other transcripts: intron variant (1).
Genome position (GRCh38, 1-based): chr5:87,346,686, A>G. VCF-style: chr5-87346686-A-G. GRCh37 (hg19) VCF-style: chr5-86642503-A-G.
Other names: c.533A>G, p.Lys178Arg (NM_022650.3); c.934-33891T>C (NM_001364075.2); short protein forms K178R, K355R.
Identifiers: ClinVar variation 4279973 (VCV004279973.1).

ClinVar aggregate classification (germline): Uncertain significance (1 of 4 stars; one submission).

Conditions:
Capillary malformation (CMC). Also called: CAPILLARY MALFORMATIONS; Capillary malformations, congenital. Identifiers: Orphanet 211247, MedGen C0340803, MONDO:0016231, HP:0025104.

gnomAD v4.1: 2 of 1,553,888 alleles (0.00013%); highest among the groups gnomAD compares: South Asian, 0.0022%; no homozygotes.

Submission:

Clinical Genomics Laboratory, Washington University in St. Louis
Classification: Uncertain significance for Capillary malformation. Last evaluated: 2025-04-13. Review status: criteria provided, single submitter. Criteria: Leon-Quintero et al. (Clin Genet. 2025). Collection method: clinical testing. Allele origin: somatic. Affected: yes.
Comment: A RASA1 c.1064A>G (p.Lys355Arg) variant was identified at an allelic fraction consistent with somatic origin. This variant, to our knowledge, has not been reported in the medical literature. This variant is only observed on 2/1,553,888 alleles in the general population (gnomAD v.4.1.0), indicating it is not a common variant. Computational predictors are uncertain as to the impact of this variant on RASA1 function. Based on an internally developed protocol informed by the ACMG/AMP guidelines (Leon-Quintero FZ, et al., PMID: 39434542) and gene-specific practices from the ClinGen Criteria Specification Registry, the RASA1 c.1064A>G (p.Lys355Arg) is classified as a variant of uncertain significance.